The following is an entry in ClinVar:

ClinVar aggregate classification (germline): Uncertain significance (1 of 4 stars; one submission).

Allele frequency attached by ClinVar (database versions not stated): ExAC 0.00001; gnomAD exomes 0.00001; TOPMed 0.00002; gnomAD 0.00003.

Submission:

Labcorp Genetics (formerly Invitae), Labcorp
Classification: Uncertain significance. Last evaluated: 2023-11-06. Review status: criteria provided, single submitter. Criteria: Invitae Variant Classification Sherloc (09022015). Collection method: clinical testing. Allele origin: germline.
Comment: This sequence change replaces arginine, which is basic and polar, with tryptophan, which is neutral and slightly polar, at codon 215 of the FECH protein (p.Arg215Trp). This variant is present in population databases (rs746310270, gnomAD 0.008%). This missense change has been observed in individual(s) with erythropoietic protoporphyria (PMID: 23364466). Advanced modeling of protein sequence and biophysical properties (such as structural, functional, and spatial information, amino acid conservation, physicochemical variation, residue mobility, and thermodynamic stability) performed at Invitae indicates that this missense variant is not expected to disrupt FECH protein function with a negative predictive value of 80%. In summary, the available evidence is currently insufficient to determine the role of this variant in disease. Therefore, it has been classified as a Variant of Uncertain Significance.

Literature cited by the submitters: PubMed 23364466.

NM_000140.5(FECH):c.643C>T (p.Arg215Trp)

Gene: FECH (ferrochelatase; minus strand). Cytogenetic location: 18q21.31.
Variant type: single nucleotide variant.
Coding change: c.643C>T on transcript NM_000140.5 (MANE Select); coding-DNA position 643, C replaced by T.
Protein change: p.Arg215Trp; replaces arginine 215 with tryptophan.
Molecular consequence: missense variant.
Genome position (GRCh38, 1-based): chr18:57,562,936, G>A on the plus strand (C>T on the coding strand, the complement: FECH is on the minus strand). VCF-style: chr18-57562936-G-A. GRCh37 (hg19) VCF-style: chr18-55230168-G-A.
Other names: c.661C>T, p.Arg221Trp (NM_001012515.4); c.643C>T, p.Arg215Trp (NM_001371094.1, NM_001374778.1); c.427C>T, p.Arg143Trp (NM_001371095.1); short protein forms R215W, R143W, R221W.
Identifiers: ClinVar variation 2736738 (VCV002736738.3), dbSNP rs746310270, ClinGen allele CA8973144.